The following is an entry in ClinVar:

ClinVar aggregate classification (germline): Likely pathogenic (1 of 4 stars; one submission).

Submission:

Labcorp Genetics (formerly Invitae), Labcorp
Classification: Likely pathogenic. Last evaluated: 2023-11-24. Review status: criteria provided, single submitter. Criteria: Invitae Variant Classification Sherloc (09022015). Collection method: clinical testing. Allele origin: germline.
Comment: This sequence change replaces asparagine, which is neutral and polar, with serine, which is neutral and polar, at codon 110 of the TRPC6 protein (p.Asn110Ser). This variant is not present in population databases (gnomAD no frequency). This missense change has been observed in individual(s) with clinical features of steroid-resistant nephrotic syndrome (PMID: 32509715; Invitae). In at least one individual the variant was observed to be de novo. Advanced modeling of protein sequence and biophysical properties (such as structural, functional, and spatial information, amino acid conservation, physicochemical variation, residue mobility, and thermodynamic stability) performed at Invitae indicates that this missense variant is not expected to disrupt TRPC6 protein function with a negative predictive value of 80%. In summary, the currently available evidence indicates that the variant is pathogenic, but additional data are needed to prove that conclusively. Therefore, this variant has been classified as Likely Pathogenic.

Literature cited by the submitters: PubMed 32509715.

NM_004621.6(TRPC6):c.329A>G (p.Asn110Ser)

Gene: TRPC6 (transient receptor potential cation channel subfamily C member 6; minus strand). Cytogenetic location: 11q22.1.
Variant type: single nucleotide variant.
Coding change: c.329A>G on transcript NM_004621.6 (MANE Select); coding-DNA position 329, A replaced by G.
Protein change: p.Asn110Ser; replaces asparagine 110 with serine.
Molecular consequence: missense variant.
Genome position (GRCh38, 1-based): chr11:101,504,640, T>C on the plus strand (A>G on the coding strand, the complement: TRPC6 is on the minus strand). VCF-style: chr11-101504640-T-C. GRCh37 (hg19) VCF-style: chr11-101375371-T-C.
Other names: short protein forms N110S.
Identifiers: ClinVar variation 2982301 (VCV002982301.3), dbSNP rs2496225710, ClinGen allele CA382451075.